The following is an entry in ClinVar:

NM_015488.5(PNKD):c.*1139C>G

Genes: PNKD (PNKD metallo-beta-lactamase domain containing; plus strand), CATIP-AS2 (CATIP antisense RNA 2; minus strand). Cytogenetic location: 2q35.
Variant type: single nucleotide variant.
Coding change: c.*1139C>G on transcript NM_015488.5 (MANE Select); 1139 bases downstream of the stop codon, C replaced by G.
Molecular consequence: 3 prime UTR variant.
Genome position (GRCh38, 1-based): chr2:218,346,120, C>G. VCF-style: chr2-218346120-C-G. GRCh37 (hg19) VCF-style: chr2-219210843-C-G.
Other names: c.*1139C>G (NM_022572.5).
Identifiers: ClinVar variation 334347 (VCV000334347.5), dbSNP rs547847157, ClinGen allele CA10612441.
Genomic context (GRCh38, chr2:218,346,120, plus strand): 5'-AGGTTGGAAATCAGAAGTCTGTGAGAGCGCGGGAGTGCATGGCAGCTCTGGGTCCCAGAC[C>G]TGGCCCGACCCCTCTGCTTCACCTCCAGCTCTGCTGCTCCTCTACTCTTGGGTCGAGATC-3'

ClinVar aggregate classification (germline): Benign (1 of 4 stars; one submission).

Conditions:
Paroxysmal nonkinesigenic dyskinesia 1 (PNKD1). Also called: Nonkinesigenic choreoathetosis; Familial paroxysmal choreoathetosis; DYSTONIA 8; Familial Paroxysmal Nonkinesigenic Dyskinesia; MOUNT-REBACK SYNDROME; PxMD-PNKD. Identifiers: Orphanet 98810, MedGen C4551506, MONDO:0700089, OMIM 118800, MONDO:0007326.

Allele frequency attached by ClinVar (database versions not stated): 1000 Genomes Project 30x 0.00047; 1000 Genomes Project 0.00060; gnomAD 0.00064 and 0.00068; TOPMed 0.00078.

Submission:

Illumina Laboratory Services, Illumina
Classification: Benign for Paroxysmal nonkinesigenic dyskinesia 1. Last evaluated: 2018-01-12. Review status: criteria provided, single submitter. Criteria: ICSL Variant Classification Criteria 13 December 2019. Collection method: clinical testing. Allele origin: germline.
Comment: This variant was observed in the ICSL laboratory as part of a predisposition screen in an ostensibly healthy population. It had not been previously curated by ICSL or reported in the Human Gene Mutation Database (HGMD: prior to June 1st, 2018), and was therefore a candidate for classification through an automated scoring system. Utilizing variant allele frequency, disease prevalence and penetrance estimates, and inheritance mode, an automated score was calculated to assess if this variant is too frequent to cause the disease. Based on the score and internal cut-off values, a variant classified as benign is not then subjected to further curation. The score for this variant resulted in a classification of benign for this disease.